The following is an entry in ClinVar:

ClinVar aggregate classification (germline): Likely benign. Review status: criteria provided, multiple submitters, no conflicts (2 of 4 stars). 2 submissions from 2 submitters: Likely benign (2). Last evaluated 2025-03-31.

Conditions:
Hereditary diffuse gastric adenocarcinoma (HDGC). Also called: DIFFUSE GASTRIC AND LOBULAR BREAST CANCER SYNDROME. Identifiers: Orphanet 26106, MedGen C1708349, MONDO:0007648, OMIM 137215.

Submissions (2):

Labcorp Genetics (formerly Invitae), Labcorp
Classification: Likely benign. Last evaluated: 2025-03-31. Review status: criteria provided, single submitter. Criteria: Invitae Variant Classification Sherloc (09022015). Collection method: clinical testing. Allele origin: germline.

Myriad Genetics, Inc.
Classification: Likely benign for Hereditary diffuse gastric adenocarcinoma. Last evaluated: 2024-10-10. Review status: criteria provided, single submitter. Criteria: Myriad Autosomal Dominant, Autosomal Recessive and X-Linked Classification Criteria (2023). Collection method: clinical testing. Allele origin: unknown.
Comment: This variant is considered likely benign. This variant is intronic and is not expected to impact mRNA splicing.

NM_001903.5(CTNNA1):c.1144-13A>C

Gene: CTNNA1 (catenin alpha 1; plus strand). Cytogenetic location: 5q31.2.
Variant type: single nucleotide variant.
Coding change: c.1144-13A>C on transcript NM_001903.5 (MANE Select); 13 bases into the intron before coding-DNA position 1144, A replaced by C.
Molecular consequence: intron variant.
Genome position (GRCh38, 1-based): chr5:138,887,477, A>C. VCF-style: chr5-138887477-A-C. GRCh37 (hg19) VCF-style: chr5-138223166-A-C.
Other names: c.1144-13A>C (NM_001323982.2, NM_001323984.2, NM_001290307.3 and 3 more transcripts); c.775-13A>C (NM_001290310.3); c.835-13A>C (NM_001290309.3); c.34-13A>C (NM_001323996.1, NM_001323993.1, NM_001324005.1 and 18 more transcripts); c.-364-13A>C (NM_001324007.1, NM_001324009.1, NM_001324006.1 and 1 more transcripts); c.-239-13A>C (NM_001324013.1); c.-58+11880A>C (NM_001324012.1); c.-61+11880A>C (NM_001324010.1).
Identifiers: ClinVar variation 1529117 (VCV001529117.9), dbSNP rs972296777, ClinGen allele CA2573139315.